The following is an entry in ClinVar:

NM_001321967.2(ATAD1):c.1018A>C (p.Ile340Leu)

Gene: ATAD1 (ATPase family AAA domain containing 1; minus strand). Cytogenetic location: 10q23.31.
Variant type: single nucleotide variant.
Coding change: c.1018A>C on transcript NM_001321967.2 (MANE Select); coding-DNA position 1018, A replaced by C.
Protein change: p.Ile340Leu; replaces isoleucine 340 with leucine.
Molecular consequence: missense variant. On other transcripts: non-coding transcript variant (1).
Genome position (GRCh38, 1-based): chr10:87,754,755, T>G on the plus strand (A>C on the coding strand, the complement: ATAD1 is on the minus strand). VCF-style: chr10-87754755-T-G. GRCh37 (hg19) VCF-style: chr10-89514512-T-G.
Other names: c.928A>C, p.Ile310Leu (NM_001321968.2); c.661A>C, p.Ile221Leu (NM_001321969.2); c.1018A>C, p.Ile340Leu (NM_032810.4); short protein forms I221L, I310L, I340L.
Identifiers: ClinVar variation 2011867 (VCV002011867.4), dbSNP rs1348513806, ClinGen allele CA377485763.

ClinVar aggregate classification (germline): Uncertain significance (1 of 4 stars; one submission).

Submission:

Labcorp Genetics (formerly Invitae), Labcorp
Classification: Uncertain significance. Last evaluated: 2022-06-28. Review status: criteria provided, single submitter. Criteria: Invitae Variant Classification Sherloc (09022015). Collection method: clinical testing. Allele origin: germline.
Comment: This sequence change replaces isoleucine, which is neutral and non-polar, with leucine, which is neutral and non-polar, at codon 340 of the ATAD1 protein (p.Ile340Leu). This variant is not present in population databases (gnomAD no frequency). This variant has not been reported in the literature in individuals affected with ATAD1-related conditions. Algorithms developed to predict the effect of missense changes on protein structure and function are either unavailable or do not agree on the potential impact of this missense change (SIFT: "Not Available"; PolyPhen-2: "Benign"; Align-GVGD: "Not Available"). In summary, the available evidence is currently insufficient to determine the role of this variant in disease. Therefore, it has been classified as a Variant of Uncertain Significance.